The following is an entry in ClinVar:

NM_182961.4(SYNE1):c.21876A>G (p.Gly7292=)

Gene: SYNE1 (spectrin repeat containing nuclear envelope protein 1; minus strand). Cytogenetic location: 6q25.2.
Variant type: single nucleotide variant.
Coding change: c.21876A>G on transcript NM_182961.4 (MANE Select); coding-DNA position 21876, A replaced by G.
Protein change: p.Gly7292=; no amino-acid change (glycine 7292 retained).
Molecular consequence: synonymous variant.
Genome position (GRCh38, 1-based): chr6:152,219,171, T>C on the plus strand (A>G on the coding strand, the complement: SYNE1 is on the minus strand). VCF-style: chr6-152219171-T-C. GRCh37 (hg19) VCF-style: chr6-152540306-T-C.
Other names: c.21663A>G, p.Gly7221= (NM_033071.5).
Identifiers: ClinVar variation 392280 (VCV000392280.16), dbSNP rs375826346, ClinGen allele CA4054025.

ClinVar aggregate classification (germline): Conflicting classifications of pathogenicity. Review status: criteria provided, conflicting classifications (1 of 4 stars). 4 submissions from 4 submitters: Uncertain significance (1); Likely benign (3). Last evaluated 2025-11-18.

Conditions:
Autosomal recessive ataxia, Beauce type. Also called: SYNE1-Related Autosomal Recessive Cerebellar Ataxia; Spinocerebellar ataxia, autosomal recessive 8; SYNE1 Deficiency; ATAXIA, RECESSIVE, OF BEAUCE. Identifiers: Orphanet 88644, MedGen C1853116, MONDO:0012549, OMIM 610743.
Emery-Dreifuss muscular dystrophy 4, autosomal dominant (EDMD4). Also called: EMERY-DREIFUSS MUSCULAR DYSTROPHY 4 WITH VARIABLE FEATURES. Identifiers: Orphanet 261, MedGen C2751807, MONDO:0013071, OMIM 612998.

Allele frequency attached by ClinVar (database versions not stated): gnomAD exomes below 0.00001 and 0.00001; ExAC 0.00004; TOPMed 0.00005; gnomAD 0.00013; 1000 Genomes Project 30x 0.00016; 1000 Genomes Project 0.00020.
gnomAD v4.1: 39 of 1,613,926 alleles (0.0024%); highest among the groups gnomAD compares: Admixed American, 0.03%; 4 homozygotes.

Submissions (4):

Labcorp Genetics (formerly Invitae), Labcorp
Classification: Likely benign for Emery-Dreifuss muscular dystrophy 4, autosomal dominant; Autosomal recessive ataxia, Beauce type. Last evaluated: 2025-11-18. Review status: criteria provided, single submitter. Criteria: Invitae Variant Classification Sherloc (09022015). Collection method: clinical testing. Allele origin: germline.

Blueprint Genetics
Classification: Likely benign. Last evaluated: 2024-11-11. Review status: criteria provided, single submitter. Criteria: ACMG Guidelines, 2015. Collection method: clinical testing. Allele origin: germline.

Eurofins Ntd Llc (ga)
Classification: Uncertain significance. Last evaluated: 2018-02-13. Review status: criteria provided, single submitter. Criteria: EGL ClinVar v180209 classification definitions. Collection method: clinical testing. Allele origin: germline. Observed: 3 variant alleles, 3 heterozygotes.

GeneDx
Classification: Likely benign. Last evaluated: 2017-01-04. Review status: criteria provided, single submitter. Criteria: GeneDx Variant Classification (06012015). Collection method: clinical testing. Allele origin: germline. Affected: yes.
Comment: This variant is considered likely benign or benign based on one or more of the following criteria: it is a conservative change, it occurs at a poorly conserved position in the protein, it is predicted to be benign by multiple in silico algorithms, and/or has population frequency not consistent with disease.